The following is an entry in ClinVar:

ClinVar aggregate classification (germline): Pathogenic. Review status: criteria provided, multiple submitters, no conflicts (2 of 4 stars). 4 submissions from 4 submitters: Pathogenic (3). 1 of the submissions does not count toward it. Last evaluated 2020-07-20.

Conditions:
Hereditary cancer-predisposing syndrome. Also called: Hereditary Cancer Syndrome; Hereditary neoplastic syndrome; Neoplastic Syndromes, Hereditary; Tumor predisposition. Identifiers: Orphanet 140162, MedGen C0027672, MeSH D009386, MONDO:0015356.
Hereditary breast ovarian cancer syndrome. Also called: Hereditary breast and ovarian cancer syndrome (HBOC); Breast and ovarian cancer; BRCA1- and BRCA2-Associated Hereditary Breast and Ovarian Cancer; Hereditary breast and/or ovarian cancer syndrome; Hereditary breast and ovarian cancer; Hereditary breast and ovarian cancer syndrome. Identifiers: Orphanet 145, MedGen C0677776, MeSH D061325, MONDO:0003582. Disease mechanism: loss of function.

Submissions (4):

Labcorp Genetics (formerly Invitae), Labcorp
Classification: Pathogenic for Hereditary breast ovarian cancer syndrome. Last evaluated: 2020-07-20. Review status: criteria provided, single submitter. Criteria: Invitae Variant Classification Sherloc (09022015). Collection method: clinical testing. Allele origin: germline.
Comment: For these reasons, this variant has been classified as Pathogenic. Loss-of-function variants in BRCA1 are known to be pathogenic (PMID: 20104584). This variant has been observed in individual(s) undergoing hereditary cancer testing (PMID: 31159747). ClinVar contains an entry for this variant (Variation ID: 431228). This variant is not present in population databases (ExAC no frequency). This sequence change creates a premature translational stop signal (p.His835Glnfs*2) in the BRCA1 gene. It is expected to result in an absent or disrupted protein product.

GeneKor MSA
Classification: Pathogenic for Hereditary cancer-predisposing syndrome. Last evaluated: 2020-01-01. Review status: criteria provided, single submitter. Criteria: ACMG Guidelines, 2015. Collection method: clinical testing. Allele origin: germline. Affected: no.
Comment: This variant is a single base pair insertion in exon 10 of the BRCA1 mRNA, causing a frameshift after codon 835 and this creates a premature translational stop signal 2 amino acid residues later. This is expected to result in an absent or disrupted protein product. Truncating variants in BRCA1 are known to be pathogenic (PMID: 20104584). This variant has been described in the international literature in individuals undergoing panel testing for hereditary syndrome (PMID: 31159747).

Ambry Genetics
Classification: Pathogenic for Hereditary cancer-predisposing syndrome. Last evaluated: 2015-11-03. Review status: criteria provided, single submitter. Criteria: Ambry Variant Classification Scheme 2023. Collection method: clinical testing. Allele origin: germline.
Comment: The c.2504dupA pathogenic mutation, located in coding exon 9 of the BRCA1 gene, results from a duplication of A at nucleotide position 2504, causing a translational frameshift with a predicted alternate stop codon. Since frameshifts are typically deleterious in nature, this alteration is interpreted as a disease-causing mutation (ACMG Recommendations for Standards for Interpretation and Reporting of Sequence Variations. Revision 2007. Genet Med. 2008;10:294).

Research Molecular Genetics Laboratory, Women's College Hospital, University of Toronto
Classification: Pathogenic for Hereditary breast ovarian cancer syndrome. Last evaluated: 2014-01-31. Review status: no assertion criteria provided. Collection method: research. Allele origin: germline. Affected: yes. Study: The Canadian Open Genetics Repository (COGR). Not counted in ClinVar's aggregate classification.

Literature cited by the submitters: PubMed 20104584 (cited by Labcorp Genetics (formerly Invitae), Labcorp); PubMed 31159747 (cited by Labcorp Genetics (formerly Invitae), Labcorp).

NM_007294.4(BRCA1):c.2504dup (p.His835fs)

Gene: BRCA1 (BRCA1 DNA repair associated; minus strand). Cytogenetic location: 17q21.31.
Variant type: Duplication.
Coding change: c.2504dup on transcript NM_007294.4 (MANE Select); coding-DNA position 2504, one base duplicated (A; older notation c.2504dupA).
Protein change: p.His835fs; shifts the reading frame from histidine 835.
Molecular consequence: frameshift variant. On other transcripts: intron variant (137).
Genome position (GRCh38, 1-based): chr17:43,093,027, T duplicated on the plus strand (A on the coding strand, the reverse complement: BRCA1 is on the minus strand). VCF-style (leftmost placement, unchanged base first): chr17-43093026-A-AT. GRCh37 (hg19) VCF-style: chr17-41245043-A-AT.
Other names: c.2504dupA (NM_007294.3); c.2504dup, p.His835fs (NM_001407622.1, NM_001407623.1, NM_001407624.1 and 30 more transcripts); c.2291dup, p.His764fs (NM_001407571.1, NM_001407853.1, NM_001407894.1 and 9 more transcripts); c.2501dup, p.His834fs (NM_001407627.1, NM_001407628.1, NM_001407629.1 and 22 more transcripts); c.2495dup, p.His832fs (NM_001407646.1, NM_001407647.1); c.2381dup, p.His794fs (NM_001407648.1, NM_001407664.1, NM_001407665.1 and 19 more transcripts); c.2378dup, p.His793fs (NM_001407649.1, NM_001407670.1, NM_001407671.1 and 11 more transcripts); c.2426dup, p.His809fs (NM_001407653.1, NM_001407654.1, NM_001407655.1 and 4 more transcripts); and 42 more; short protein forms H835fs, H788fs, H539fs, H708fs, H767fs, H787fs, H793fs, H834fs.
Identifiers: ClinVar variation 431228 (VCV000431228.24), dbSNP rs1555589513, ClinGen allele CA645373190.